The following is an entry in ClinVar:

NM_000722.4(CACNA2D1):c.3185T>G (p.Val1062Gly)

Gene: CACNA2D1 (calcium voltage-gated channel auxiliary subunit alpha2delta 1; minus strand). Cytogenetic location: 7q21.11.
Variant type: single nucleotide variant.
Coding change: c.3185T>G on transcript NM_000722.4 (MANE Select); coding-DNA position 3185, T replaced by G.
Protein change: p.Val1062Gly; replaces valine 1062 with glycine.
Molecular consequence: missense variant.
Genome position (GRCh38, 1-based): chr7:81,950,483, A>C on the plus strand (T>G on the coding strand, the complement: CACNA2D1 is on the minus strand). VCF-style: chr7-81950483-A-C. GRCh37 (hg19) VCF-style: chr7-81579799-A-C.
Other names: c.3221T>G, p.Val1074Gly (NM_001366867.1); short protein forms V1074G, V1062G.
Identifiers: ClinVar variation 1728585 (VCV001728585.2), dbSNP rs2484192534, ClinGen allele CA367880389.
Genomic context (GRCh38, chr7:81,950,483, plus strand): 5'-AGCCAAAGTAGTAGAAACTGGATTCCAATGATATACCACAGGGAGGGATTTAATCCAGAA[A>C]CACCACCACAGTCAGTATAATCCTCCTGTTGTTAAAAAAAAAAGAAAAGAACAGAAAAAG-3'
Protein context (NP_000713.2, residues 1052-1072): VLEDYTDCGG[Val1062Gly]SGLNPSLWYI

ClinVar aggregate classification (germline): Uncertain significance (1 of 4 stars; one submission).

Conditions:
Cardiovascular phenotype. Identifiers: MedGen CN230736.

gnomAD v4.1: 2 of 1,613,118 alleles (0.00012%); highest among the groups gnomAD compares: Non-Finnish European, 0.00017%; no homozygotes.

Submission:

Ambry Genetics
Classification: Uncertain significance for Cardiovascular phenotype. Last evaluated: 2021-11-24. Review status: criteria provided, single submitter. Criteria: Ambry Variant Classification Scheme 2023. Collection method: clinical testing. Allele origin: germline.
Comment: The p.V1062G variant (also known as c.3185T>G), located in coding exon 39 of the CACNA2D1 gene, results from a T to G substitution at nucleotide position 3185. The valine at codon 1062 is replaced by glycine, an amino acid with dissimilar properties. This amino acid position is conserved. In addition, this alteration is predicted to be tolerated by in silico analysis. Since supporting evidence is limited at this time, the clinical significance of this alteration remains unclear.